The following is an entry in ClinVar:

ClinVar aggregate classification (germline): Uncertain significance (1 of 4 stars; one submission).

Submission:

Labcorp Genetics (formerly Invitae), Labcorp
Classification: Uncertain significance. Last evaluated: 2025-01-24. Review status: criteria provided, single submitter. Criteria: Invitae Variant Classification Sherloc (09022015). Collection method: clinical testing. Allele origin: germline.
Comment: This sequence change affects codon 773 of the RASGRP1 mRNA. It is a 'silent' change, meaning that it does not change the encoded amino acid sequence of the RASGRP1 protein. This variant is present in population databases (rs780244256, gnomAD 0.01%). This variant has not been reported in the literature in individuals affected with RASGRP1-related conditions. Algorithms developed to predict the effect of sequence changes on RNA splicing suggest that this variant may disrupt the consensus splice site. In summary, the available evidence is currently insufficient to determine the role of this variant in disease. Therefore, it has been classified as a Variant of Uncertain Significance.

NM_005739.4(RASGRP1):c.2319G>A (p.Gln773=)

Gene: RASGRP1 (RAS guanyl releasing protein 1; minus strand). Cytogenetic location: 15q14.
Variant type: single nucleotide variant.
Coding change: c.2319G>A on transcript NM_005739.4 (MANE Select); coding-DNA position 2319, G replaced by A.
Protein change: p.Gln773=; no amino-acid change (glutamine 773 retained).
Molecular consequence: synonymous variant. On other transcripts: 3 prime UTR variant (1).
Genome position (GRCh38, 1-based): chr15:38,490,629, C>T on the plus strand (G>A on the coding strand, the complement: RASGRP1 is on the minus strand). VCF-style: chr15-38490629-C-T. GRCh37 (hg19) VCF-style: chr15-38782830-C-T.
Other names: c.2214G>A, p.Gln738= (NM_001128602.2); c.*34G>A (NM_001306086.2).
Identifiers: ClinVar variation 3674534 (VCV003674534.2).